The following is an entry in ClinVar:

ClinVar aggregate classification (germline): Pathogenic (1 of 4 stars; one submission).

Conditions:
Lipodystrophy - childhood onset.

Submission:

Cambridge Genomics Laboratory, East Genomic Laboratory Hub, NHS Genomic Medicine Service
Classification: Pathogenic for Lipodystrophy - childhood onset. Last evaluated: 2024-10-31. Review status: criteria provided, single submitter. Criteria: ACGS Best Practice Guidelines for Variant Classification in Rare Disease 2020. Collection method: clinical testing. Allele origin: germline. Affected: yes.
Comment: PVS1,PM2

NM_005357.4(LIPE):c.1111_1120dup (p.Arg374fs)

Genes: LIPE (lipase E, hormone sensitive type; minus strand), LIPE-AS1 (LIPE antisense RNA 1; plus strand). Cytogenetic location: 19q13.2.
Variant type: Duplication.
Coding change: c.1111_1120dup on transcript NM_005357.4 (MANE Select); coding-DNA positions 1111 to 1120, 10 bases duplicated (AACGGGTACC; older notation c.1111_1120dupAACGGGTACC).
Protein change: p.Arg374fs; shifts the reading frame from arginine 374.
Molecular consequence: frameshift variant. On other transcripts: 5 prime UTR variant (1), intron variant (1).
Genome position (GRCh38, 1-based): chr19:42,410,606-42,410,615, GGTACCCGTT duplicated on the plus strand (AACGGGTACC on the coding strand, the reverse complement: LIPE is on the minus strand); duplicating any 10 consecutive bases within chr19:42,410,606-42,410,617 gives the same sequence; the c. name uses the placement nearest the transcript's 3' end. VCF-style (leftmost placement, unchanged base first): chr19-42410605-C-CGGTACCCGTT. GRCh37 (hg19) VCF-style: chr19-42914757-C-CGGTACCCGTT.
Other names: c.346_355dup, p.Arg119fs (NM_001416100.1, NM_001416101.1, NM_001416105.1); c.241_250dup, p.Arg84fs (NM_001416102.1, NM_001416106.1); c.208_217dup, p.Arg73fs (NM_001416103.1, NM_001416104.1); c.-689_-680dup (NM_001416108.1); c.61-2293_61-2284dup (NM_001416107.1); short protein forms R119fs, R374fs, R73fs, R84fs.
Identifiers: ClinVar variation 4682129 (VCV004682129.1).